The following is an entry in ClinVar:

ClinVar aggregate classification (germline): Uncertain significance. Review status: criteria provided, multiple submitters, no conflicts (2 of 4 stars). 2 submissions from 2 submitters: Uncertain significance (2). Last evaluated 2026-10-12.

Conditions:
Rhabdoid tumor predisposition syndrome 2 (RTPS2). Identifiers: Orphanet 231108, Orphanet 69077, MedGen C2750074, MONDO:0013224, OMIM 613325.

Allele frequency attached by ClinVar (database versions not stated): gnomAD exomes below 0.00001; ExAC 0.00003.
gnomAD v4.1: 4 of 1,609,036 alleles (0.00025%); highest among the groups gnomAD compares: Admixed American, 0.0017%; no homozygotes.

Submissions (2):

GeneDx
Classification: Uncertain significance. Last evaluated: 2026-10-12. Review status: criteria provided, single submitter. Criteria: GeneDx Variant Classification Process June 2021. Collection method: clinical testing. Allele origin: germline.
Comment: In silico analysis supports that this missense variant has a deleterious effect on protein structure/function; Has not been previously published as pathogenic or benign to our knowledge; This variant is associated with the following publications: (PMID: 24658002)

Labcorp Genetics (formerly Invitae), Labcorp
Classification: Uncertain significance for Rhabdoid tumor predisposition syndrome 2. Last evaluated: 2023-04-03. Review status: criteria provided, single submitter. Criteria: Invitae Variant Classification Sherloc (09022015). Collection method: clinical testing. Allele origin: germline.
Comment: The frequency data for this variant in the population databases is considered unreliable, as metrics indicate poor data quality at this position in the gnomAD database. This variant has not been reported in the literature in individuals affected with SMARCA4-related conditions. Advanced modeling of protein sequence and biophysical properties (such as structural, functional, and spatial information, amino acid conservation, physicochemical variation, residue mobility, and thermodynamic stability) has been performed at Invitae for this missense variant, however the output from this modeling did not meet the statistical confidence thresholds required to predict the impact of this variant on SMARCA4 protein function. In summary, the available evidence is currently insufficient to determine the role of this variant in disease. Therefore, it has been classified as a Variant of Uncertain Significance. This sequence change replaces glutamic acid, which is acidic and polar, with lysine, which is basic and polar, at codon 463 of the SMARCA4 protein (p.Glu463Lys).

NM_003072.5(SMARCA4):c.1387G>A (p.Glu463Lys)

Gene: SMARCA4 (SWI/SNF related BAF chromatin remodeling complex subunit ATPase 4; plus strand). Cytogenetic location: 19p13.2.
Variant type: single nucleotide variant.
Coding change: c.1387G>A on transcript NM_003072.5 (MANE Select); coding-DNA position 1387, G replaced by A.
Protein change: p.Glu463Lys; replaces glutamic acid 463 with lysine.
Molecular consequence: missense variant. On other transcripts: non-coding transcript variant (1).
Genome position (GRCh38, 1-based): chr19:10,991,291, G>A. VCF-style: chr19-10991291-G-A. GRCh37 (hg19) VCF-style: chr19-11101967-G-A.
Other names: c.1387G>A (NM_001128849.1); c.1387G>A, p.Glu463Lys (NM_001128844.3, NM_001128845.2, NM_001128846.2 and 6 more transcripts); short protein forms E463K.
Identifiers: ClinVar variation 2796387 (VCV002796387.6), dbSNP rs779161503, ClinGen allele CA9203760.